The following is an entry in ClinVar:

NM_030662.4(MAP2K2):c.705+10C>T

Gene: MAP2K2 (mitogen-activated protein kinase kinase 2; minus strand). Cytogenetic location: 19p13.3.
Variant type: single nucleotide variant.
Coding change: c.705+10C>T on transcript NM_030662.4 (MANE Select); 10 bases into the intron after coding-DNA position 705, C replaced by T.
Molecular consequence: intron variant.
Genome position (GRCh38, 1-based): chr19:4,101,009, G>A on the plus strand (C>T on the coding strand, the complement: MAP2K2 is on the minus strand). VCF-style: chr19-4101009-G-A. GRCh37 (hg19) VCF-style: chr19-4101007-G-A.
Identifiers: ClinVar variation 46241 (VCV000046241.12), dbSNP rs372898071, ClinGen allele CA137965.

ClinVar aggregate classification (germline): Likely benign. Review status: criteria provided, multiple submitters, no conflicts (2 of 4 stars). 4 submissions from 4 submitters: Likely benign (4). Last evaluated 2026-01-28.

Conditions:
RASopathy. Also called: rasopathies; Noonan spectrum disorder. Identifiers: Orphanet 536391, MedGen C5555857, MONDO:0021060.

Allele frequency attached by ClinVar (database versions not stated): gnomAD exomes 0.00002; ExAC 0.00004; gnomAD 0.00004 and 0.00005; TOPMed 0.00006; ESP Exome Variant Server 0.00008.
gnomAD v4.1: 40 of 1,554,168 alleles (0.0026%); highest among the groups gnomAD compares: African/African-American, 0.0068%; no homozygotes.

Submissions (4):

Labcorp Genetics (formerly Invitae), Labcorp
Classification: Likely benign for RASopathy. Last evaluated: 2026-01-28. Review status: criteria provided, single submitter. Criteria: Invitae Variant Classification Sherloc (09022015). Collection method: clinical testing. Allele origin: germline.

Blueprint Genetics
Classification: Likely benign. Last evaluated: 2020-10-05. Review status: criteria provided, single submitter. Criteria: ACMG Guidelines, 2015. Collection method: clinical testing. Allele origin: germline.

GeneDx
Classification: Likely benign. Last evaluated: 2016-10-06. Review status: criteria provided, single submitter. Criteria: GeneDx Variant Classification (06012015). Collection method: clinical testing. Allele origin: germline. Affected: yes.
Comment: This variant is considered likely benign or benign based on one or more of the following criteria: it is a conservative change, it occurs at a poorly conserved position in the protein, it is predicted to be benign by multiple in silico algorithms, and/or has population frequency not consistent with disease.

Laboratory for Molecular Medicine, Mass General Brigham Personalized Medicine
Classification: Likely benign. Last evaluated: 2008-12-09. Review status: criteria provided, single submitter. Criteria: LMM Criteria. Collection method: clinical testing. Allele origin: germline. Observed: 1 variant allele.